The following is an entry in ClinVar:

ClinVar aggregate classification (germline): Uncertain significance (1 of 4 stars; one submission).

Submission:

Labcorp Genetics (formerly Invitae), Labcorp
Classification: Uncertain significance. Last evaluated: 2025-12-19. Review status: criteria provided, single submitter. Criteria: Invitae Variant Classification Sherloc (09022015). Collection method: clinical testing. Allele origin: germline.
Comment: This sequence change replaces phenylalanine, which is neutral and non-polar, with leucine, which is neutral and non-polar, at codon 608 of the SLC4A1 protein (p.Phe608Leu). This variant is not present in population databases (gnomAD no frequency). This variant has not been reported in the literature in individuals affected with SLC4A1-related conditions. Invitae Evidence Modeling of protein sequence and biophysical properties (such as structural, functional, and spatial information, amino acid conservation, physicochemical variation, residue mobility, and thermodynamic stability) has been performed for this missense variant. However, the output from this modeling did not meet the statistical confidence thresholds required to predict the impact of this variant on SLC4A1 protein function. In summary, the available evidence is currently insufficient to determine the role of this variant in disease. Therefore, it has been classified as a Variant of Uncertain Significance.

NM_000342.4(SLC4A1):c.1824C>A (p.Phe608Leu)

Gene: SLC4A1 (solute carrier family 4 member 1 (Diego blood group); minus strand). Cytogenetic location: 17q21.31.
Variant type: single nucleotide variant.
Coding change: c.1824C>A on transcript NM_000342.4 (MANE Select); coding-DNA position 1824, C replaced by A.
Protein change: p.Phe608Leu; replaces phenylalanine 608 with leucine.
Molecular consequence: missense variant.
Genome position (GRCh38, 1-based): chr17:44,255,273, G>T on the plus strand (C>A on the coding strand, the complement: SLC4A1 is on the minus strand). VCF-style: chr17-44255273-G-T. GRCh37 (hg19) VCF-style: chr17-42332641-G-T.
Other names: short protein forms F608L.
Identifiers: ClinVar variation 4740510 (VCV004740510.1).